The following is an entry in ClinVar:

ClinVar aggregate classification (germline): Uncertain significance. Review status: criteria provided, multiple submitters, no conflicts (2 of 4 stars). 3 submissions from 3 submitters: Uncertain significance (3). Last evaluated 2026-09-01.

Conditions:
MYO3A-related disorder. Also called: MYO3A-related condition.
Autosomal recessive nonsyndromic hearing loss 30. Identifiers: Orphanet 90636, MedGen C1846784, MONDO:0011774, OMIM 607101.

Allele frequency attached by ClinVar (database versions not stated): gnomAD 0.00001; gnomAD exomes 0.00002 and 0.00004; TOPMed 0.00002; ExAC 0.00005.
gnomAD v4.1: 33 of 1,613,864 alleles (0.002%); highest among the groups gnomAD compares: South Asian, 0.014%; 1 homozygote.

Submissions (3):

PreventionGenetics, part of Exact Sciences
Classification: Uncertain significance for MYO3A-related condition. Last evaluated: 2026-09-01. Review status: criteria provided, single submitter. Criteria: ACMG Guidelines, 2015. Collection method: clinical testing. Allele origin: germline.
Comment: The MYO3A c.2972G>A variant is predicted to result in the amino acid substitution p.Arg991Gln. To our knowledge, this variant has not been reported in the literature. This variant is reported in 0.020% of alleles in individuals of East Asian descent in gnomAD. At this time, the clinical significance of this variant is uncertain due to the absence of conclusive functional and genetic evidence.

Revvity Omics, Revvity
Classification: Uncertain significance for Autosomal recessive nonsyndromic hearing loss 30. Last evaluated: 2023-11-02. Review status: criteria provided, single submitter. Criteria: ACMG Guidelines, 2015. Collection method: clinical testing. Allele origin: germline.

Labcorp Genetics (formerly Invitae), Labcorp
Classification: Uncertain significance. Last evaluated: 2021-07-12. Review status: criteria provided, single submitter. Criteria: Invitae Variant Classification Sherloc (09022015). Collection method: clinical testing. Allele origin: germline.
Comment: This variant has not been reported in the literature in individuals affected with MYO3A-related conditions. This sequence change replaces arginine with glutamine at codon 991 of the MYO3A protein (p.Arg991Gln). The arginine residue is highly conserved and there is a small physicochemical difference between arginine and glutamine. This variant is present in population databases (rs764099857, ExAC 0.01%). Algorithms developed to predict the effect of missense changes on protein structure and function (SIFT, PolyPhen-2, Align-GVGD) all suggest that this variant is likely to be disruptive. Algorithms developed to predict the effect of sequence changes on RNA splicing suggest that this variant may create or strengthen a splice site. In summary, the available evidence is currently insufficient to determine the role of this variant in disease. Therefore, it has been classified as a Variant of Uncertain Significance.

NM_017433.5(MYO3A):c.2972G>A (p.Arg991Gln)

Gene: MYO3A (myosin IIIA; plus strand). Cytogenetic location: 10p12.1.
Variant type: single nucleotide variant.
Coding change: c.2972G>A on transcript NM_017433.5 (MANE Select); coding-DNA position 2972, G replaced by A.
Protein change: p.Arg991Gln; replaces arginine 991 with glutamine.
Molecular consequence: missense variant.
Genome position (GRCh38, 1-based): chr10:26,157,488, G>A. VCF-style: chr10-26157488-G-A. GRCh37 (hg19) VCF-style: chr10-26446417-G-A.
Other names: c.2972G>A (NM_017433.4); short protein forms R991Q.
Identifiers: ClinVar variation 1364384 (VCV001364384.11), dbSNP rs764099857, ClinGen allele CA5445114.
Genomic context (GRCh38, chr10:26,157,488, plus strand): 5'-AGCTTCGGTACACAGGAATTCTGGAAACAGCAAGAATTCGAAGACTAGGATTCTCCCATC[G>A]GATACTTTTTGCTAACTTTATAAAGCGGTATGTGGATTTCTTTTTCAGTTTCTATTGTGC-3'
Protein context (NP_059129.3, residues 981-1001): ARIRRLGFSH[Arg991Gln]ILFANFIKRY